The following is an entry in ClinVar:

ClinVar aggregate classification (germline): Conflicting classifications of pathogenicity. Review status: criteria provided, conflicting classifications (1 of 4 stars). 3 submissions from 3 submitters: Likely pathogenic (1); Uncertain significance (2). Last evaluated 2024-11-27.

Conditions:
PKP2-related disorder. Also called: PKP2-related condition.
Arrhythmogenic right ventricular dysplasia 9 (ARVD9). Also called: Arrhythmogenic Right Ventricular Dysplasia/Cardiomyopathy 9; ARRHYTHMOGENIC RIGHT VENTRICULAR DYSPLASIA, FAMILIAL, 9. Identifiers: MedGen C1836906, MONDO:0012180, OMIM 609040.

Submissions (3):

Blueprint Genetics
Classification: Likely pathogenic for PKP2-related disorders. Last evaluated: 2024-11-27. Review status: criteria provided, single submitter. Criteria: ACMG Guidelines, 2015. Collection method: clinical testing. Allele origin: germline. Affected: yes. Observed: 2 variant alleles.

GeneDx
Classification: Uncertain significance. Last evaluated: 2024-06-17. Review status: criteria provided, single submitter. Criteria: GeneDx Variant Classification Process June 2021. Collection method: clinical testing. Allele origin: germline. Affected: yes.
Comment: Not observed at significant frequency in large population cohorts (gnomAD); In silico analysis supports a deleterious effect on splicing; This variant is associated with the following publications: (PMID: 25825460)

Labcorp Genetics (formerly Invitae), Labcorp
Classification: Uncertain significance for Arrhythmogenic right ventricular dysplasia 9. Last evaluated: 2023-11-28. Review status: criteria provided, single submitter. Criteria: Invitae Variant Classification Sherloc (09022015). Collection method: clinical testing. Allele origin: germline.
Comment: This sequence change falls in intron 10 of the PKP2 gene. It does not directly change the encoded amino acid sequence of the PKP2 protein. It affects a nucleotide within the consensus splice site. This variant is not present in population databases (gnomAD no frequency). This variant has been observed in individual(s) with arrhythmogenic right ventricular cardiomyopathy (PMID: 25825460). Variants that disrupt the consensus splice site are a relatively common cause of aberrant splicing (PMID: 17576681, 9536098). Algorithms developed to predict the effect of sequence changes on RNA splicing suggest that this variant may disrupt the consensus splice site. In summary, the available evidence is currently insufficient to determine the role of this variant in disease. Therefore, it has been classified as a Variant of Uncertain Significance.

Literature cited by the submitters: PubMed 25825460 (cited by Labcorp Genetics (formerly Invitae), Labcorp); PubMed 17576681 (cited by Labcorp Genetics (formerly Invitae), Labcorp); PubMed 9536098 (cited by Labcorp Genetics (formerly Invitae), Labcorp).

NM_001005242.3(PKP2):c.2013+5G>A

Gene: PKP2 (plakophilin 2; minus strand). Cytogenetic location: 12p11.21.
Variant type: single nucleotide variant.
Coding change: c.2013+5G>A on transcript NM_001005242.3 (MANE Select); 5 bases into the intron after coding-DNA position 2013, G replaced by A.
Molecular consequence: intron variant. On other transcripts: missense variant (3).
Genome position (GRCh38, 1-based): chr12:32,821,351, C>T on the plus strand (G>A on the coding strand, the complement: PKP2 is on the minus strand). VCF-style: chr12-32821351-C-T. GRCh37 (hg19) VCF-style: chr12-32974285-C-T.
Other names: c.2150G>A, p.Ser717Asn (NM_001407157.1); c.2018G>A, p.Ser673Asn (NM_001407161.1); c.1691G>A, p.Ser564Asn (NM_001407162.1); c.1848+5G>A (NM_001407156.1); c.2013+5G>A (NM_001407155.1); c.2145+5G>A (NM_004572.4); c.1686+5G>A (NM_001407160.1, NM_001407159.1, NM_001407158.1); short protein forms S564N, S673N, S717N.
Identifiers: ClinVar variation 2982306 (VCV002982306.5), dbSNP rs2541229165, ClinGen allele CA2695216230.